The following is an entry in ClinVar:

ClinVar aggregate classification (germline): Uncertain significance (1 of 4 stars; one submission).

Conditions:
Inborn genetic diseases. Identifiers: MedGen C0950123, MeSH D030342.

Submission:

Ambry Genetics
Classification: Uncertain significance for Inborn genetic diseases. Last evaluated: 2024-01-17. Review status: criteria provided, single submitter. Criteria: Ambry Variant Classification Scheme 2023. Collection method: clinical testing. Allele origin: germline.
Comment: The p.L1582I variant (also known as c.4744C>A), located in coding exon 33 of the LRRK2 gene, results from a C to A substitution at nucleotide position 4744. The leucine at codon 1582 is replaced by isoleucine, an amino acid with highly similar properties. This amino acid position is conserved. In addition, the in silico prediction for this alteration is inconclusive. Based on the available evidence, the clinical significance of this alteration remains unclear.

NM_198578.4(LRRK2):c.4744C>A (p.Leu1582Ile)

Gene: LRRK2 (leucine rich repeat kinase 2; plus strand). Cytogenetic location: 12q12.
Variant type: single nucleotide variant.
Coding change: c.4744C>A on transcript NM_198578.4 (MANE Select); coding-DNA position 4744, C replaced by A.
Protein change: p.Leu1582Ile; replaces leucine 1582 with isoleucine.
Molecular consequence: missense variant.
Genome position (GRCh38, 1-based): chr12:40,315,217, C>A. VCF-style: chr12-40315217-C-A. GRCh37 (hg19) VCF-style: chr12-40709019-C-A.
Other names: short protein forms L1582I.
Identifiers: ClinVar variation 3229667 (VCV003229667.1), dbSNP rs1945176082, ClinGen allele CA384419185.